The following is an entry in ClinVar:

ClinVar aggregate classification (germline): Uncertain significance (1 of 4 stars; one submission).

Submission:

GeneDx
Classification: Uncertain significance. Last evaluated: 2025-02-27. Review status: criteria provided, single submitter. Criteria: GeneDx Variant Classification Process June 2021. Collection method: clinical testing. Allele origin: germline. Affected: yes.
Comment: Not observed at significant frequency in large population cohorts (gnomAD); In silico analysis supports that this missense variant has a deleterious effect on protein structure/function; Has not been previously published as pathogenic or benign to our knowledge

NM_001394062.1(MACF1):c.14731C>T (p.His4911Tyr)

Genes: MACF1 (microtubule actin crosslinking factor 1; plus strand), LOC114803468 (MACF1 eExon liver enhancer; plus strand). Cytogenetic location: 1p34.3.
Variant type: single nucleotide variant.
Coding change: c.14731C>T on transcript NM_001394062.1 (MANE Select); coding-DNA position 14731, C replaced by T.
Protein change: p.His4911Tyr; replaces histidine 4911 with tyrosine.
Molecular consequence: missense variant.
Genome position (GRCh38, 1-based): chr1:39,387,573, C>T. VCF-style: chr1-39387573-C-T. GRCh37 (hg19) VCF-style: chr1-39853245-C-T.
Other names: c.8545C>T, p.His2849Tyr (NM_012090.5); short protein forms H2849Y, H4911Y.
Identifiers: ClinVar variation 4077332 (VCV004077332.1).